The following is an entry in ClinVar:

NM_025137.4(SPG11):c.2052_2055del (p.Lys684fs)

Gene: SPG11 (SPG11 vesicle trafficking associated, spatacsin; minus strand). Cytogenetic location: 15q21.1.
Variant type: Deletion.
Coding change: c.2052_2055del on transcript NM_025137.4 (MANE Select); coding-DNA positions 2052 to 2055, 4 bases deleted (GAAA; older notation c.2052_2055delGAAA).
Protein change: p.Lys684fs; shifts the reading frame from lysine 684.
Molecular consequence: frameshift variant.
Genome position (GRCh38, 1-based): chr15:44,628,681-44,628,684, TTTC deleted on the plus strand (GAAA on the coding strand, the reverse complement: SPG11 is on the minus strand); deleting any 4 consecutive bases within chr15:44,628,681-44,628,686 gives the same sequence; the c. name uses the placement nearest the transcript's 3' end. VCF-style (leftmost placement, unchanged base first): chr15-44628680-GTTTC-G. GRCh37 (hg19) VCF-style: chr15-44920878-GTTTC-G.
Other names: c.2052_2055del, p.Lys684fs (NM_001160227.2); c.2050_2053delAAGA, p.Lys684Asnfs (NM_001411132.1); short protein forms K684fs.
Identifiers: ClinVar variation 2169855 (VCV002169855.4), dbSNP rs2505595870, ClinGen allele CA2580089487.
Genomic context (GRCh38, chr15:44,628,680, plus strand): 5'-GACCTTCTGAATCTGGCAAATAAAAGAAGTGATGATTATTCGTACTTACCTCAAAGCTGA[GTTTC>G]TTCCATATATTGCTCTCCTTTACTTTGGGGACATTTTCATGTACATCATATTCATCTATA-3'

ClinVar aggregate classification (germline): Pathogenic (1 of 4 stars; one submission).

Conditions:
Hereditary spastic paraplegia 11. Also called: Nakamura Osame syndrome; Autosomal recessive hereditary spastic paraplegia, mental impairment, and thin corpus callosum; SPASTIC PARAPLEGIA, AUTOSOMAL RECESSIVE, COMPLICATED, WITH THIN CORPUS CALLOSUM; SPASTIC PARAPLEGIA, AUTOSOMAL RECESSIVE, WITH MENTAL IMPAIRMENT AND THIN CORPUS CALLOSUM; Spastic Paraplegia 11; Spastic paraplegia, mental retardation and thin corpus callosum. Identifiers: Orphanet 2822, MedGen C1858479, MONDO:0011445, OMIM 604360.

Submission:

Labcorp Genetics (formerly Invitae), Labcorp
Classification: Pathogenic for Hereditary spastic paraplegia 11. Last evaluated: 2022-08-30. Review status: criteria provided, single submitter. Criteria: Invitae Variant Classification Sherloc (09022015). Collection method: clinical testing. Allele origin: germline.
Comment: This variant has not been reported in the literature in individuals affected with SPG11-related conditions. For these reasons, this variant has been classified as Pathogenic. This variant is not present in population databases (gnomAD no frequency). This sequence change creates a premature translational stop signal (p.Lys684Asnfs*13) in the SPG11 gene. It is expected to result in an absent or disrupted protein product. Loss-of-function variants in SPG11 are known to be pathogenic (PMID: 19105190, 20110243, 22154821, 26556829).

Literature cited by the submitters: PubMed 19105190; PubMed 20110243; PubMed 22154821; PubMed 26556829.